The following is an entry in ClinVar:

NM_005430.4(WNT1):c.644G>C (p.Arg215Pro)

Gene: WNT1 (Wnt family member 1; plus strand). Cytogenetic location: 12q13.12.
Variant type: single nucleotide variant.
Coding change: c.644G>C on transcript NM_005430.4 (MANE Select); coding-DNA position 644, G replaced by C.
Protein change: p.Arg215Pro; replaces arginine 215 with proline.
Molecular consequence: missense variant.
Genome position (GRCh38, 1-based): chr12:48,981,171, G>C. VCF-style: chr12-48981171-G-C. GRCh37 (hg19) VCF-style: chr12-49374954-G-C.
Other names: short protein forms R215P.
Identifiers: ClinVar variation 1715603 (VCV001715603.5), dbSNP rs199735570, ClinGen allele CA384633409.
Genomic context (GRCh38, chr12:48,981,171, plus strand): 5'-CCCGGTGCCCTGGGACACTCTTTCTTCCCCTATCCCCGCAGACCGTATTCTCCGAGATGC[G>C]CCAGGAGTGCAAGTGCCACGGGATGTCCGGCTCATGCACGGTGCGCACGTGCTGGATGCG-3'
Protein context (NP_005421.1, residues 205-225): AGRTTVFSEM[Arg215Pro]QECKCHGMSG

ClinVar aggregate classification (germline): Uncertain significance (1 of 4 stars; one submission).

Submission:

Labcorp Genetics (formerly Invitae), Labcorp
Classification: Uncertain significance. Last evaluated: 2025-02-04. Review status: criteria provided, single submitter. Criteria: Invitae Variant Classification Sherloc (09022015). Collection method: clinical testing. Allele origin: germline.
Comment: This sequence change replaces arginine, which is basic and polar, with proline, which is neutral and non-polar, at codon 215 of the WNT1 protein (p.Arg215Pro). This variant is not present in population databases (gnomAD no frequency). This variant has not been reported in the literature in individuals affected with WNT1-related conditions. ClinVar contains an entry for this variant (Variation ID: 1715603). Invitae Evidence Modeling of protein sequence and biophysical properties (such as structural, functional, and spatial information, amino acid conservation, physicochemical variation, residue mobility, and thermodynamic stability) has been performed for this missense variant. However, the output from this modeling did not meet the statistical confidence thresholds required to predict the impact of this variant on WNT1 protein function. In summary, the available evidence is currently insufficient to determine the role of this variant in disease. Therefore, it has been classified as a Variant of Uncertain Significance.